The following is an entry in ClinVar:

ClinVar aggregate classification (germline): Pathogenic (1 of 4 stars; one submission).

Submission:

GeneDx
Classification: Pathogenic. Last evaluated: 2018-02-13. Review status: criteria provided, single submitter. Criteria: GeneDx Variant Classification (06012015). Collection method: clinical testing. Allele origin: germline. Affected: yes.
Comment: The Q122X variant in the CHD7 gene has not been reported previously as a pathogenic variant nor as a benign variant, to our knowledge. This variant is predicted to cause loss of normal protein function either through protein truncation or nonsense-mediated mRNA decay. The Q122X variant is not observed in large population cohorts (Lek et al., 2016). We interpret Q122X as a pathogenic variant.

NM_017780.4(CHD7):c.364C>T (p.Gln122Ter)

Gene: CHD7 (chromodomain helicase DNA binding protein 7; plus strand). Cytogenetic location: 8q12.2.
Variant type: single nucleotide variant.
Coding change: c.364C>T on transcript NM_017780.4 (MANE Select); coding-DNA position 364, C replaced by T.
Protein change: p.Gln122Ter; replaces glutamine 122 with a stop codon.
Molecular consequence: nonsense.
Genome position (GRCh38, 1-based): chr8:60,741,796, C>T. VCF-style: chr8-60741796-C-T. GRCh37 (hg19) VCF-style: chr8-61654355-C-T.
Other names: c.364C>T (LRG_176t1); c.364C>T, p.Gln122Ter (NM_001316690.1); short protein forms Q122*.
Identifiers: ClinVar variation 504189 (VCV000504189.2), dbSNP rs1554581127, ClinGen allele CA371297215.